The following is an entry in ClinVar:

NM_001164508.2(NEB):c.8161-4T>G

Gene: NEB (nebulin; minus strand). Cytogenetic location: 2q23.3.
Variant type: single nucleotide variant.
Coding change: c.8161-4T>G on transcript NM_001164508.2 (MANE Select); 4 bases into the intron before coding-DNA position 8161, T replaced by G.
Molecular consequence: intron variant.
Genome position (GRCh38, 1-based): chr2:151,642,873, A>C on the plus strand (T>G on the coding strand, the complement: NEB is on the minus strand). VCF-style: chr2-151642873-A-C. GRCh37 (hg19) VCF-style: chr2-152499387-A-C.
Other names: c.8161-4T>G (NM_004543.5, NM_001164507.2, NM_001271208.2).
Identifiers: ClinVar variation 2578869 (VCV002578869.28), dbSNP rs539401306, ClinGen allele CA1909658.

ClinVar aggregate classification (germline): Likely benign. Review status: criteria provided, multiple submitters, no conflicts (2 of 4 stars). 2 submissions from 2 submitters: Likely benign (2). Last evaluated 2023-09-27.

Conditions:
Nemaline myopathy 2 (NEM2). Also called: Nemaline myopathy 2, autosomal recessive. Identifiers: MedGen C1850569, MONDO:0009725, OMIM 256030.

Allele frequency attached by ClinVar (database versions not stated): gnomAD exomes below 0.00001; ExAC 0.00001; gnomAD 0.00001; 1000 Genomes Project 0.00020; 1000 Genomes Project 30x 0.00031.
gnomAD v4.1: 3 of 1,592,764 alleles (0.00019%); highest among the groups gnomAD compares: Non-Finnish European, 0.00026%; no homozygotes.

Submissions (2):

Labcorp Genetics (formerly Invitae), Labcorp
Classification: Likely benign for Nemaline myopathy 2. Last evaluated: 2023-09-27. Review status: criteria provided, single submitter. Criteria: Invitae Variant Classification Sherloc (09022015). Collection method: clinical testing. Allele origin: germline.

CeGaT Center for Human Genetics Tuebingen
Classification: Likely benign. Last evaluated: 2023-07-01. Review status: criteria provided, single submitter. Criteria: CeGaT Center For Human Genetics Tuebingen Variant Classification Criteria Version 2. Collection method: clinical testing. Allele origin: germline. Affected: yes. Observed: 1 variant allele.
Comment: NEB: BP4